The following is an entry in ClinVar:

NM_138295.5(PKD1L1):c.6777G>T (p.Ala2259=)

Gene: PKD1L1 (polycystin 1 like 1, transient receptor potential channel interacting; minus strand). Cytogenetic location: 7p12.3.
Variant type: single nucleotide variant.
Coding change: c.6777G>T on transcript NM_138295.5 (MANE Select); coding-DNA position 6777, G replaced by T.
Protein change: p.Ala2259=; no amino-acid change (alanine 2259 retained).
Molecular consequence: synonymous variant.
Genome position (GRCh38, 1-based): chr7:47,827,427, C>A on the plus strand (G>T on the coding strand, the complement: PKD1L1 is on the minus strand). VCF-style: chr7-47827427-C-A. GRCh37 (hg19) VCF-style: chr7-47867025-C-A.
Identifiers: ClinVar variation 2144091 (VCV002144091.29), dbSNP rs147293358, ClinGen allele CA4252327.

ClinVar aggregate classification (germline): Likely benign. Review status: criteria provided, multiple submitters, no conflicts (2 of 4 stars). 3 submissions from 3 submitters: Likely benign (3). Last evaluated 2024-11-08.

Allele frequency attached by ClinVar (database versions not stated): 1000 Genomes Project 30x 0.00031; 1000 Genomes Project 0.00040.
gnomAD v4.1: 191 of 1,612,682 alleles (0.012%); highest among the groups gnomAD compares: Middle Eastern, 0.017%; no homozygotes.

Submissions (3):

Blueprint Genetics
Classification: Likely benign. Last evaluated: 2024-11-08. Review status: criteria provided, single submitter. Criteria: ACMG Guidelines, 2015. Collection method: clinical testing. Allele origin: germline.

Labcorp Genetics (formerly Invitae), Labcorp
Classification: Likely benign. Last evaluated: 2022-07-06. Review status: criteria provided, single submitter. Criteria: Invitae Variant Classification Sherloc (09022015). Collection method: clinical testing. Allele origin: germline.

CeGaT Center for Human Genetics Tuebingen
Classification: Likely benign. Last evaluated: 2022-07-01. Review status: criteria provided, single submitter. Criteria: CeGaT Center For Human Genetics Tuebingen Variant Classification Criteria Version 2. Collection method: clinical testing. Allele origin: germline. Affected: yes. Observed: 1 variant allele.
Comment: PKD1L1: BP4, BP7